The following is an entry in ClinVar:

NM_013275.6(ANKRD11):c.6446C>T (p.Ala2149Val)

Gene: ANKRD11 (ankyrin repeat domain 11; minus strand). Cytogenetic location: 16q24.3.
Variant type: single nucleotide variant.
Coding change: c.6446C>T on transcript NM_013275.6 (MANE Select); coding-DNA position 6446, C replaced by T.
Protein change: p.Ala2149Val; replaces alanine 2149 with valine.
Molecular consequence: missense variant.
Genome position (GRCh38, 1-based): chr16:89,280,096, G>A on the plus strand (C>T on the coding strand, the complement: ANKRD11 is on the minus strand). VCF-style: chr16-89280096-G-A. GRCh37 (hg19) VCF-style: chr16-89346504-G-A.
Other names: c.6446C>T, p.Ala2149Val (NM_001256182.2, NM_001256183.2); short protein forms A2149V.
Identifiers: ClinVar variation 2150879 (VCV002150879.4), dbSNP rs2034057374, ClinGen allele CA397151139.
Genomic context (GRCh38, chr16:89,280,096, plus strand): 5'-CCTGGAGGCATCTCTTCTGGAGGAGCAAGACTTTCTTCCACGGGTTCCGCTTCACCATCT[G>A]CGGCATCTTTAGTCTGCAGGGGAAGCTCCGGCAGGGAGAAGGGCCCCAGGTCCAGGTCGT-3'
Protein context (NP_037407.4, residues 2139-2159): PELPLQTKDA[Ala2149Val]DGEAEPVEES

ClinVar aggregate classification (germline): Uncertain significance (1 of 4 stars; one submission).

Conditions:
KBG syndrome (KBGS). Also called: ANKRD11-Related KBG Syndrome. Identifiers: Orphanet 2332, MedGen C0220687, MONDO:0007846, OMIM 148050.

Allele frequency attached by ClinVar (database versions not stated): gnomAD exomes below 0.00001; gnomAD 0.00001.
gnomAD v4.1: 2 of 1,613,050 alleles (0.00012%); highest among the groups gnomAD compares: South Asian, 0.0011%; no homozygotes.

Submission:

Labcorp Genetics (formerly Invitae), Labcorp
Classification: Uncertain significance for KBG syndrome. Last evaluated: 2022-10-19. Review status: criteria provided, single submitter. Criteria: Invitae Variant Classification Sherloc (09022015). Collection method: clinical testing. Allele origin: germline.
Comment: In summary, the available evidence is currently insufficient to determine the role of this variant in disease. Therefore, it has been classified as a Variant of Uncertain Significance. This sequence change replaces alanine, which is neutral and non-polar, with valine, which is neutral and non-polar, at codon 2149 of the ANKRD11 protein (p.Ala2149Val). This variant is not present in population databases (gnomAD no frequency). This variant has not been reported in the literature in individuals affected with ANKRD11-related conditions. Advanced modeling of protein sequence and biophysical properties (such as structural, functional, and spatial information, amino acid conservation, physicochemical variation, residue mobility, and thermodynamic stability) performed at Invitae indicates that this missense variant is not expected to disrupt ANKRD11 protein function.